The following is an entry in ClinVar:

NM_000158.4(GBE1):c.270A>G (p.Glu90=)

Gene: GBE1 (1,4-alpha-glucan branching enzyme 1; minus strand). Cytogenetic location: 3p12.2.
Variant type: single nucleotide variant.
Coding change: c.270A>G on transcript NM_000158.4 (MANE Select); coding-DNA position 270, A replaced by G.
Protein change: p.Glu90=; no amino-acid change (glutamic acid 90 retained).
Molecular consequence: synonymous variant.
Genome position (GRCh38, 1-based): chr3:81,705,487, T>C on the plus strand (A>G on the coding strand, the complement: GBE1 is on the minus strand). VCF-style: chr3-81705487-T-C. GRCh37 (hg19) VCF-style: chr3-81754638-T-C.
Other names: c.270A>G (NM_000158.3).
Identifiers: ClinVar variation 1109594 (VCV001109594.8), dbSNP rs1576206589, ClinGen allele CA434495568.

ClinVar aggregate classification (germline): Likely benign. Review status: criteria provided, multiple submitters, no conflicts (2 of 4 stars). 2 submissions from 2 submitters: Likely benign (2). Last evaluated 2024-11-08.

Conditions:
Glycogen storage disease IV, classic hepatic. Also called: GSD IV, CLASSIC HEPATIC. Identifiers: MedGen C1856301.
Glycogen storage disease, type IV (GSD4). Also called: AMYLOPECTINOSIS; ANDERSEN DISEASE; BRANCHER DEFICIENCY; CIRRHOSIS, FAMILIAL, WITH DEPOSITION OF ABNORMAL GLYCOGEN; GBE1 DEFICIENCY; GLYCOGEN BRANCHING ENZYME DEFICIENCY. Identifiers: Orphanet 367, MedGen C0017923, MONDO:0009292, OMIM 232500.
GBE1-related disorder. Also called: GBE1-related condition; GBE1-related disorders. Identifiers: MedGen CN239402.

gnomAD v4.1: 1 of 1,602,602 alleles (0.000062%); no homozygotes.

Submissions (2):

Labcorp Genetics (formerly Invitae), Labcorp
Classification: Likely benign for Glycogen storage disease, type IV; Glycogen storage disease IV, classic hepatic. Last evaluated: 2024-11-08. Review status: criteria provided, single submitter. Criteria: Invitae Variant Classification Sherloc (09022015). Collection method: clinical testing. Allele origin: germline.

PreventionGenetics, part of Exact Sciences
Classification: Likely benign for GBE1-related condition. Last evaluated: 2024-10-16. Review status: criteria provided, single submitter. Criteria: ACMG Guidelines, 2015. Collection method: clinical testing. Allele origin: germline.
Comment: This variant is classified as likely benign based on ACMG/AMP sequence variant interpretation guidelines (Richards et al. 2015 PMID: 25741868, with internal and published modifications).